The following is an entry in ClinVar:

NM_000038.6(APC):c.7446A>G (p.Pro2482=)

Gene: APC (APC regulator of Wnt signaling pathway; plus strand). Cytogenetic location: 5q22.2.
Variant type: single nucleotide variant.
Coding change: c.7446A>G on transcript NM_000038.6 (MANE Select); coding-DNA position 7446, A replaced by G.
Protein change: p.Pro2482=; no amino-acid change (proline 2482 retained).
Molecular consequence: synonymous variant. On other transcripts: non-coding transcript variant (2).
Genome position (GRCh38, 1-based): chr5:112,843,040, A>G. VCF-style: chr5-112843040-A-G. GRCh37 (hg19) VCF-style: chr5-112178737-A-G.
Other names: c.7446A>G, p.Pro2482= (NM_001127510.3, NM_001354895.2, NM_001407450.1); c.7392A>G, p.Pro2464= (NM_001127511.3); c.7500A>G, p.Pro2500= (NM_001354896.2, NM_001407447.1, NM_001407448.1 and 1 more transcripts); c.7476A>G, p.Pro2492= (NM_001354897.2); c.7371A>G, p.Pro2457= (NM_001354898.2); c.7362A>G, p.Pro2454= (NM_001354899.2); c.7323A>G, p.Pro2441= (NM_001354900.2); c.7269A>G, p.Pro2423= (NM_001354901.2, NM_001407453.1); and 11 more.
Identifiers: ClinVar variation 3253970 (VCV003253970.1), dbSNP rs780091029.

ClinVar aggregate classification (germline): Benign (1 of 4 stars; one submission).

Conditions:
Familial adenomatous polyposis 1 (FAP1). Also called: POLYPOSIS, ADENOMATOUS INTESTINAL; FAMILIAL ADENOMATOUS POLYPOSIS 1, ATTENUATED. Identifiers: MedGen C2713442, MONDO:0021056, OMIM 175100. Disease mechanism: loss of function.

Allele frequency attached by ClinVar (database versions not stated): ExAC 0.00001.

Submission:

Myriad Genetics, Inc.
Classification: Benign for Familial adenomatous polyposis 1. Last evaluated: 2024-04-09. Review status: criteria provided, single submitter. Criteria: Myriad Autosomal Dominant, Autosomal Recessive and X-Linked Classification Criteria (2023). Collection method: clinical testing. Allele origin: unknown.
Comment: This variant is considered benign. This variant is a silent/synonymous amino acid change and it is not expected to impact splicing.